The following is an entry in ClinVar:

ClinVar aggregate classification (germline): Uncertain significance (1 of 4 stars; one submission).

Allele frequency attached by ClinVar (database versions not stated): gnomAD exomes 0.00001; ExAC 0.00005.
gnomAD v4.1: 20 of 1,613,794 alleles (0.0012%); highest among the groups gnomAD compares: South Asian, 0.02%; no homozygotes.

Submission:

Labcorp Genetics (formerly Invitae), Labcorp
Classification: Uncertain significance. Last evaluated: 2023-11-10. Review status: criteria provided, single submitter. Criteria: Invitae Variant Classification Sherloc (09022015). Collection method: clinical testing. Allele origin: germline.
Comment: This sequence change replaces histidine, which is basic and polar, with aspartic acid, which is acidic and polar, at codon 1078 of the ALPK1 protein (p.His1078Asp). This variant is present in population databases (rs752769052, gnomAD 0.03%). This variant has not been reported in the literature in individuals affected with ALPK1-related conditions. Advanced modeling of protein sequence and biophysical properties (such as structural, functional, and spatial information, amino acid conservation, physicochemical variation, residue mobility, and thermodynamic stability) performed at Invitae indicates that this missense variant is expected to disrupt ALPK1 protein function with a positive predictive value of 80%. In summary, the available evidence is currently insufficient to determine the role of this variant in disease. Therefore, it has been classified as a Variant of Uncertain Significance.

NM_025144.4(ALPK1):c.3232C>G (p.His1078Asp)

Gene: ALPK1 (alpha kinase 1; plus strand). Cytogenetic location: 4q25.
Variant type: single nucleotide variant.
Coding change: c.3232C>G on transcript NM_025144.4 (MANE Select); coding-DNA position 3232, C replaced by G.
Protein change: p.His1078Asp; replaces histidine 1078 with aspartic acid.
Molecular consequence: missense variant.
Genome position (GRCh38, 1-based): chr4:112,438,527, C>G. VCF-style: chr4-112438527-C-G. GRCh37 (hg19) VCF-style: chr4-113359683-C-G.
Other names: c.3232C>G, p.His1078Asp (NM_001102406.2); c.2998C>G, p.His1000Asp (NM_001253884.2); short protein forms H1000D, H1078D.
Identifiers: ClinVar variation 2867276 (VCV002867276.3), dbSNP rs752769052, ClinGen allele CA3047119.